The following is an entry in ClinVar:

ClinVar aggregate classification (germline): Likely benign (1 of 4 stars; one submission).

gnomAD v4.1: 2,025 of 399,642 alleles (0.51%); highest among the groups gnomAD compares: Middle Eastern, 1.4%; 8 homozygotes.

Submission:

CeGaT Center for Human Genetics Tuebingen
Classification: Likely benign. Last evaluated: 2026-04-01. Review status: criteria provided, single submitter. Criteria: CeGaT Center For Human Genetics Tuebingen Variant Classification Criteria Version 2. Collection method: clinical testing. Allele origin: germline. Affected: yes. Observed: 6 variant alleles.
Comment: PLEKHJ1: BS2

NM_001300836.3(PLEKHJ1):c.545C>T (p.Ala182Val)

Genes: DOT1L (DOT1 like histone lysine methyltransferase; plus strand), PLEKHJ1 (pleckstrin homology domain containing J1; minus strand). Cytogenetic location: 19p13.3.
Variant type: single nucleotide variant.
Coding change: c.545C>T on transcript NM_001300836.3; coding-DNA position 545, C replaced by T.
Protein change: p.Ala182Val; replaces alanine 182 with valine.
Molecular consequence: missense variant. On other transcripts: 3 prime UTR variant (2).
Genome position (GRCh38, 1-based): chr19:2,230,452, G>A on the plus strand (C>T on the coding strand, the complement: PLEKHJ1 is on the minus strand). VCF-style: chr19-2230452-G-A. GRCh37 (hg19) VCF-style: chr19-2230451-G-A.
Other names: c.*2105G>A (NM_001411141.1); c.*660G>A (NM_032482.3); short protein forms A182V.
Identifiers: ClinVar variation 3905056 (VCV003905056.10).